The following is an entry in ClinVar:

NM_020686.6(ABAT):c.928C>T (p.Arg310Trp)

Gene: ABAT (4-aminobutyrate aminotransferase; plus strand). Cytogenetic location: 16p13.2.
Variant type: single nucleotide variant.
Coding change: c.928C>T on transcript NM_020686.6 (MANE Select); coding-DNA position 928, C replaced by T.
Protein change: p.Arg310Trp; replaces arginine 310 with tryptophan.
Molecular consequence: missense variant.
Genome position (GRCh38, 1-based): chr16:8,772,891, C>T. VCF-style: chr16-8772891-C-T. GRCh37 (hg19) VCF-style: chr16-8866748-C-T.
Other names: c.928C>T, p.Arg310Trp (NM_000663.5, NM_001127448.2, NM_001386600.1 and 6 more transcripts); c.889C>T, p.Arg297Trp (NM_001386605.1); c.865C>T, p.Arg289Trp (NM_001386606.1, NM_001386607.1); c.835C>T, p.Arg279Trp (NM_001386608.1); c.793C>T, p.Arg265Trp (NM_001386610.1, NM_001386611.1); c.730C>T, p.Arg244Trp (NM_001386612.1, NM_001386613.1); c.682C>T, p.Arg228Trp (NM_001386614.1); c.1024C>T, p.Arg342Trp (NM_001386615.1); short protein forms R310W, R228W, R244W, R265W, R279W, R289W, R297W, R342W.
Identifiers: ClinVar variation 1017433 (VCV001017433.4), dbSNP rs757076760, ClinGen allele CA7893353.

ClinVar aggregate classification (germline): Uncertain significance (1 of 4 stars; one submission).

Conditions:
Gamma-aminobutyric acid transaminase deficiency (GABATD). Also called: GABA transaminase deficiency; Gamma aminobutyrate transaminase deficiency; 4 alpha aminobutyrate transaminase deficiency; GABA aminotransaminase deficiency. Identifiers: Orphanet 2066, MedGen C0342708, MONDO:0013166, OMIM 613163.

Allele frequency attached by ClinVar (database versions not stated): ExAC 0.00002; gnomAD exomes 0.00002 and 0.00005; gnomAD 0.00003 and 0.00004; TOPMed 0.00004.
gnomAD v4.1: 75 of 1,613,886 alleles (0.0046%); highest among the groups gnomAD compares: African/African-American, 0.0067%; no homozygotes.

Submission:

Labcorp Genetics (formerly Invitae), Labcorp
Classification: Uncertain significance for Gamma-aminobutyric acid transaminase deficiency. Last evaluated: 2022-10-17. Review status: criteria provided, single submitter. Criteria: Invitae Variant Classification Sherloc (09022015). Collection method: clinical testing. Allele origin: germline.
Comment: This sequence change replaces arginine, which is basic and polar, with tryptophan, which is neutral and slightly polar, at codon 310 of the ABAT protein (p.Arg310Trp). This variant is present in population databases (rs757076760, gnomAD 0.01%). This variant has not been reported in the literature in individuals affected with ABAT-related conditions. ClinVar contains an entry for this variant (Variation ID: 1017433). Advanced modeling of protein sequence and biophysical properties (such as structural, functional, and spatial information, amino acid conservation, physicochemical variation, residue mobility, and thermodynamic stability) performed at Invitae indicates that this missense variant is expected to disrupt ABAT protein function. In summary, the available evidence is currently insufficient to determine the role of this variant in disease. Therefore, it has been classified as a Variant of Uncertain Significance.